The following is an entry in ClinVar:

NM_001365951.3(KIF1B):c.4046A>C (p.Asn1349Thr)

Gene: KIF1B (kinesin family member 1B; plus strand). Cytogenetic location: 1p36.22.
Variant type: single nucleotide variant.
Coding change: c.4046A>C on transcript NM_001365951.3 (MANE Select); coding-DNA position 4046, A replaced by C.
Protein change: p.Asn1349Thr; replaces asparagine 1349 with threonine.
Molecular consequence: missense variant.
Genome position (GRCh38, 1-based): chr1:10,352,727, A>C. VCF-style: chr1-10352727-A-C. GRCh37 (hg19) VCF-style: chr1-10412785-A-C.
Other names: c.4046A>C, p.Asn1349Thr (NM_001365952.1); c.3908A>C, p.Asn1303Thr (NM_015074.3); short protein forms N1349T, N1303T.
Identifiers: ClinVar variation 1352728 (VCV001352728.6), dbSNP rs1462863753, ClinGen allele CA338344521.

ClinVar aggregate classification (germline): Uncertain significance (1 of 4 stars; one submission).

Conditions:
Charcot-Marie-Tooth disease type 2. Also called: Charcot-Marie-Tooth type 2. Identifiers: Orphanet 64746, MedGen C0270914, MONDO:0018993.

Allele frequency attached by ClinVar (database versions not stated): gnomAD exomes below 0.00001.
gnomAD v4.1: 1 of 1,611,604 alleles (0.000062%); highest among the groups gnomAD compares: Non-Finnish European, 0.000085%; no homozygotes.

Submission:

Labcorp Genetics (formerly Invitae), Labcorp
Classification: Uncertain significance for Charcot-Marie-Tooth disease type 2. Last evaluated: 2025-01-29. Review status: criteria provided, single submitter. Criteria: Invitae Variant Classification Sherloc (09022015). Collection method: clinical testing. Allele origin: germline.
Comment: This sequence change replaces asparagine, which is neutral and polar, with threonine, which is neutral and polar, at codon 1303 of the KIF1B protein (p.Asn1303Thr). This variant is present in population databases (no rsID available, gnomAD 0.0009%). This variant has not been reported in the literature in individuals affected with KIF1B-related conditions. ClinVar contains an entry for this variant (Variation ID: 1352728). An algorithm developed to predict the effect of missense changes on protein structure and function outputs the following: PolyPhen-2: "Benign". The threonine amino acid residue is found in multiple mammalian species, which suggests that this missense change does not adversely affect protein function. In summary, the available evidence is currently insufficient to determine the role of this variant in disease. Therefore, it has been classified as a Variant of Uncertain Significance.